The following is an entry in ClinVar:

ClinVar aggregate classification (germline): Uncertain significance (1 of 4 stars; one submission).

Allele frequency attached by ClinVar (database versions not stated): ExAC 0.00002; gnomAD exomes 0.00002.
gnomAD v4.1: 14 of 1,614,018 alleles (0.00087%); highest among the groups gnomAD compares: East Asian, 0.031%; no homozygotes.

Submission:

Labcorp Genetics (formerly Invitae), Labcorp
Classification: Uncertain significance. Last evaluated: 2022-06-25. Review status: criteria provided, single submitter. Criteria: Invitae Variant Classification Sherloc (09022015). Collection method: clinical testing. Allele origin: germline.
Comment: This sequence change replaces lysine, which is basic and polar, with asparagine, which is neutral and polar, at codon 40 of the SLC26A3 protein (p.Lys40Asn). This variant is present in population databases (rs746365141, gnomAD 0.02%). This variant has not been reported in the literature in individuals affected with SLC26A3-related conditions. Algorithms developed to predict the effect of missense changes on protein structure and function are either unavailable or do not agree on the potential impact of this missense change (SIFT: "Tolerated"; PolyPhen-2: "Possibly Damaging"; Align-GVGD: "Class C0"). In summary, the available evidence is currently insufficient to determine the role of this variant in disease. Therefore, it has been classified as a Variant of Uncertain Significance.

NM_000111.3(SLC26A3):c.120A>T (p.Lys40Asn)

Gene: SLC26A3 (solute carrier family 26 member 3; minus strand). Cytogenetic location: 7q22.3.
Variant type: single nucleotide variant.
Coding change: c.120A>T on transcript NM_000111.3 (MANE Select); coding-DNA position 120, A replaced by T.
Protein change: p.Lys40Asn; replaces lysine 40 with asparagine.
Molecular consequence: missense variant.
Genome position (GRCh38, 1-based): chr7:107,794,390, T>A on the plus strand (A>T on the coding strand, the complement: SLC26A3 is on the minus strand). VCF-style: chr7-107794390-T-A. GRCh37 (hg19) VCF-style: chr7-107434835-T-A.
Other names: short protein forms K40N.
Identifiers: ClinVar variation 2131485 (VCV002131485.1), dbSNP rs746365141, ClinGen allele CA4434253.